The following is an entry in ClinVar:

ClinVar aggregate classification (germline): Likely benign. Review status: criteria provided, multiple submitters, no conflicts (2 of 4 stars). 4 submissions from 4 submitters: Likely benign (3). 1 of the submissions does not count toward it. Last evaluated 2025-10-01.

Conditions:
MBOAT7-related disorder. Also called: MBOAT7-related condition.

Allele frequency attached by ClinVar (database versions not stated): ExAC 0.00119; gnomAD 0.00279 and 0.00305; ESP Exome Variant Server 0.00289; TOPMed 0.00289; 1000 Genomes Project 0.00319; 1000 Genomes Project 30x 0.00328.

Submissions (5):

CeGaT Center for Human Genetics Tuebingen
Classification: Likely benign. Last evaluated: 2025-10-01. Review status: criteria provided, single submitter. Criteria: CeGaT Center For Human Genetics Tuebingen Variant Classification Criteria Version 2. Collection method: clinical testing. Allele origin: germline. Affected: yes. Observed: 7 variant alleles.
Comment: MBOAT7: BP4, BS2

Blueprint Genetics
Classification: Likely benign. Last evaluated: 2024-11-13. Review status: criteria provided, single submitter. Criteria: ACMG Guidelines, 2015. Collection method: clinical testing. Allele origin: germline.

Breakthrough Genomics
Classification: Likely benign. Review status: criteria provided, single submitter. Criteria: ACMG Guidelines, 2015. Collection method: not provided. Allele origin: germline. Inheritance: Autosomal recessive inheritance. Affected: yes.

PreventionGenetics, part of Exact Sciences
Classification: Benign for MBOAT7-related condition. Last evaluated: 2024-08-07. Review status: no assertion criteria provided. Collection method: clinical testing. Allele origin: germline. Not counted in ClinVar's aggregate classification.
Comment: This variant is classified as benign based on ACMG/AMP sequence variant interpretation guidelines (Richards et al. 2015 PMID: 25741868, with internal and published modifications).

Dr. Peter K. Rogan Lab, Western University
No classification provided (evidence only). Condition: Thymoma. Review status: no classification provided. Collection method: in vitro. Allele origin: not applicable. Functional consequence: skipped exon. Not counted in ClinVar's aggregate classification.

NM_024298.5(MBOAT7):c.-3-3C>T

Gene: MBOAT7 (membrane bound acylglycerophosphatidylinositol O-acyltransferase MBOAT7; minus strand). Cytogenetic location: 19q13.42.
Variant type: single nucleotide variant.
Coding change: c.-3-3C>T on transcript NM_024298.5 (MANE Select); 3 bases into the intron before 3 bases upstream of the start codon, C replaced by T.
Molecular consequence: intron variant.
Genome position (GRCh38, 1-based): chr19:54,188,514, G>A on the plus strand (C>T on the coding strand, the complement: MBOAT7 is on the minus strand). VCF-style: chr19-54188514-G-A. GRCh37 (hg19) VCF-style: chr19-54692368-G-A.
Other names: NC_000019.9:g.54692368G>A; c.-16-168C>T (NM_001146056.3); c.-95-3C>T (NM_001146083.3); c.-3-3C>T (NM_001146082.3, NM_024298.4).
Identifiers: ClinVar variation 808654 (VCV000808654.45), dbSNP rs112360756, ClinGen allele CA309369287.
Genomic context (GRCh38, chr19:54,188,514, plus strand): 5'-CGATGGGGATGGAGATAAGAAGAACCACTAGATACGTCCATTCTTCAGGCGACATGGTCT[G>A]GGGGAGGGGCAGAGATTCACAGTGAGAACCCAGGAATCCAGGCCCCCTGCCTCCTCCCTC-3'